The following is an entry in ClinVar:

ClinVar aggregate classification (germline): Uncertain significance. Review status: criteria provided, multiple submitters, no conflicts (2 of 4 stars). 2 submissions from 2 submitters: Uncertain significance (2). Last evaluated 2024-06-09.

Conditions:
Hereditary cancer-predisposing syndrome. Also called: Neoplastic Syndromes, Hereditary; Tumor predisposition; Hereditary Cancer Syndrome; Hereditary neoplastic syndrome. Identifiers: Orphanet 140162, MedGen C0027672, MeSH D009386, MONDO:0015356.
Familial cancer of breast. Also called: BREAST CANCER, FAMILIAL; Hereditary breast cancer; hereditary breast carcinoma. Identifiers: Orphanet 227535, MedGen C0346153, MONDO:0016419, OMIM 114480. Disease mechanism: loss of function.

Allele frequency attached by ClinVar (database versions not stated): gnomAD exomes below 0.00001.
gnomAD v4.1: 6 of 1,608,938 alleles (0.00037%); highest among the groups gnomAD compares: Non-Finnish European, 0.00042%; no homozygotes.

Submissions (2):

Ambry Genetics
Classification: Uncertain significance for Hereditary cancer-predisposing syndrome. Last evaluated: 2024-06-09. Review status: criteria provided, single submitter. Criteria: Ambry Variant Classification Scheme 2023. Collection method: clinical testing. Allele origin: germline.
Comment: The p.C77Y variant (also known as c.230G>A), located in coding exon 4 of the PALB2 gene, results from a G to A substitution at nucleotide position 230. The cysteine at codon 77 is replaced by tyrosine, an amino acid with highly dissimilar properties. This amino acid position is poorly conserved in available vertebrate species. In addition, this alteration is predicted to be tolerated by in silico analysis. Since supporting evidence is limited at this time, the clinical significance of this alteration remains unclear.

Labcorp Genetics (formerly Invitae), Labcorp
Classification: Uncertain significance for Familial cancer of breast. Last evaluated: 2021-09-01. Review status: criteria provided, single submitter. Criteria: Invitae Variant Classification Sherloc (09022015). Collection method: clinical testing. Allele origin: germline.
Comment: This sequence change replaces cysteine with tyrosine at codon 77 of the PALB2 protein (p.Cys77Tyr). The cysteine residue is weakly conserved and there is a large physicochemical difference between cysteine and tyrosine. This variant is not present in population databases (ExAC no frequency). This variant has not been reported in the literature in individuals affected with PALB2-related conditions. Algorithms developed to predict the effect of missense changes on protein structure and function output the following: SIFT: "Tolerated"; PolyPhen-2: "Benign"; Align-GVGD: "Class C0". The tyrosine amino acid residue is found in multiple mammalian species, which suggests that this missense change does not adversely affect protein function. In summary, the available evidence is currently insufficient to determine the role of this variant in disease. Therefore, it has been classified as a Variant of Uncertain Significance.

NM_024675.4(PALB2):c.230G>A (p.Cys77Tyr)

Gene: PALB2 (partner and localizer of BRCA2; minus strand). Cytogenetic location: 16p12.2.
Variant type: single nucleotide variant.
Coding change: c.230G>A on transcript NM_024675.4 (MANE Select); coding-DNA position 230, G replaced by A.
Protein change: p.Cys77Tyr; replaces cysteine 77 with tyrosine.
Molecular consequence: missense variant.
Genome position (GRCh38, 1-based): chr16:23,636,316, C>T on the plus strand (G>A on the coding strand, the complement: PALB2 is on the minus strand). VCF-style: chr16-23636316-C-T. GRCh37 (hg19) VCF-style: chr16-23647637-C-T.
Other names: short protein forms C77Y.
Identifiers: ClinVar variation 821070 (VCV000821070.13), dbSNP rs1597099850, ClinGen allele CA395138952.